The following is an entry in ClinVar:

NM_000520.6(HEXA):c.1008G>T (p.Gln336His)

Gene: HEXA (hexosaminidase subunit alpha; minus strand). Cytogenetic location: 15q23.
Variant type: single nucleotide variant.
Coding change: c.1008G>T on transcript NM_000520.6 (MANE Select); coding-DNA position 1008, G replaced by T.
Protein change: p.Gln336His; replaces glutamine 336 with histidine.
Molecular consequence: missense variant. On other transcripts: non-coding transcript variant (1).
Genome position (GRCh38, 1-based): chr15:72,348,113, C>A on the plus strand (G>T on the coding strand, the complement: HEXA is on the minus strand). VCF-style: chr15-72348113-C-A. GRCh37 (hg19) VCF-style: chr15-72640454-C-A.
Other names: c.1041G>T, p.Gln347His (NM_001318825.2); c.1008G>T (NM_000520.5, NM_000520.4); short protein forms Q336H, Q347H.
Identifiers: ClinVar variation 2445714 (VCV002445714.3), dbSNP rs1555472602, ClinGen allele CA393061972.

ClinVar aggregate classification (germline): Uncertain significance. Review status: criteria provided, multiple submitters, no conflicts (2 of 4 stars). 2 submissions from 2 submitters: Uncertain significance (2). Last evaluated 2025-02-26.

gnomAD v4.1: 1 of 1,613,030 alleles (0.000062%); highest among the groups gnomAD compares: Non-Finnish European, 0.000085%; no homozygotes.

Submissions (2):

Women's Health and Genetics/Laboratory Corporation of America, LabCorp
Classification: Uncertain significance. Last evaluated: 2025-02-26. Review status: criteria provided, single submitter. Criteria: LabCorp Variant Classification Summary - May 2015. Collection method: clinical testing. Allele origin: germline.
Comment: Variant summary: HEXA c.1008G>T (p.Gln336His) results in a non-conservative amino acid change located in the Glycoside hydrolase family 20, catalytic domain (IPR015883) of the encoded protein sequence. Three of five in-silico tools predict a damaging effect of the variant on protein function. The variant was absent in 251462 control chromosomes. The available data on variant occurrences in the general population are insufficient to allow any conclusion about variant significance. c.1008G>T has been reported in the literature in a compound heterozygous individual affected with juvenile-adult onset Tay-Sachs Disease (e.g., Gort_2012). These data do not allow any conclusion about variant significance. To our knowledge, no experimental evidence demonstrating an impact on protein function has been reported. The following publications has been ascertained in the context of this evaluation (PMID: 22789865). ClinVar contains an entry for this variant (Variation ID: 2445714). Based on the evidence outlined above, the variant was classified as uncertain significance.

GeneDx
Classification: Uncertain significance. Last evaluated: 2024-01-24. Review status: criteria provided, single submitter. Criteria: GeneDx Variant Classification Process June 2021. Collection method: clinical testing. Allele origin: germline. Affected: yes.
Comment: Not observed at significant frequency in large population cohorts (gnomAD); In silico analysis supports that this missense variant does not alter protein structure/function; This variant is associated with the following publications: (PMID: 31367523, 22789865)

Literature cited by the submitters: PubMed 22789865 (cited by Women's Health and Genetics/Laboratory Corporation of America, LabCorp); PubMed 31367523 (cited by Women's Health and Genetics/Laboratory Corporation of America, LabCorp).